The following is an entry in ClinVar:

ClinVar aggregate classification (germline): Uncertain significance (1 of 4 stars; one submission).

Submission:

GeneDx
Classification: Uncertain significance. Last evaluated: 2025-08-28. Review status: criteria provided, single submitter. Criteria: GeneDx Variant Classification Process June 2021. Collection method: clinical testing. Allele origin: germline.
Comment: Frameshift variant predicted to result in protein truncation or nonsense mediated decay in a gene or region of a gene for which loss of function is not a well-established mechanism of disease; Not observed at significant frequency in large population cohorts (gnomAD); Has not been previously published as pathogenic or benign to our knowledge; Variants in candidate genes are classified as variants of uncertain significance in accordance with ACMG guidelines (PMID: 25741868)

NM_014921.5(ADGRL1):c.1516dup (p.Ala506fs)

Genes: ADGRL1 (adhesion G protein-coupled receptor L1; minus strand), ADGRL1-AS1 (ADGRL1 antisense RNA 1; plus strand). Cytogenetic location: 19p13.12.
Variant type: Duplication.
Coding change: c.1516dup on transcript NM_014921.5 (MANE Select); coding-DNA position 1516, one base duplicated (G; older notation c.1516dupG).
Protein change: p.Ala506fs; shifts the reading frame from alanine 506.
Molecular consequence: frameshift variant.
Genome position (GRCh38, 1-based): chr19:14,160,691, C duplicated on the plus strand (G on the coding strand, the reverse complement: ADGRL1 is on the minus strand). VCF-style (leftmost placement, unchanged base first): chr19-14160690-G-GC. GRCh37 (hg19) VCF-style: chr19-14271502-G-GC.
Other names: c.1531dup, p.Ala511fs (NM_001008701.3); short protein forms A506fs, A511fs.
Identifiers: ClinVar variation 4975183 (VCV004975183.1).